The following is an entry in ClinVar:

NM_000836.4(GRIN2D):c.3422A>T (p.Tyr1141Phe)

Gene: GRIN2D (glutamate ionotropic receptor NMDA type subunit 2D; plus strand). Cytogenetic location: 19q13.33.
Variant type: single nucleotide variant.
Coding change: c.3422A>T on transcript NM_000836.4 (MANE Select); coding-DNA position 3422, A replaced by T.
Protein change: p.Tyr1141Phe; replaces tyrosine 1141 with phenylalanine.
Molecular consequence: missense variant.
Genome position (GRCh38, 1-based): chr19:48,443,348, A>T. VCF-style: chr19-48443348-A-T. GRCh37 (hg19) VCF-style: chr19-48946605-A-T.
Other names: short protein forms Y1141F.
Identifiers: ClinVar variation 2627446 (VCV002627446.1), dbSNP rs1971331458, ClinGen allele CA406676150.
Genomic context (GRCh38, chr19:48,443,348, plus strand): 5'-TGGGCGGCGCGTCGCTGGGCGGCCTGGAGCCCTGGTGGTTCGCCGACTTCCCTTACCCGT[A>T]TGCCGAGCGCCTCGGGCCGCCGCCCGGCCGCTACTGGTCGGTCGACAAGCTCGGGGGCTG-3'
Protein context (NP_000827.2, residues 1131-1151): PWWFADFPYP[Tyr1141Phe]AERLGPPPGR

ClinVar aggregate classification (germline): Uncertain significance (1 of 4 stars; one submission).

Conditions:
Developmental and epileptic encephalopathy, 46 (DEE46). Also called: Epileptic encephalopathy, early infantile, 46; GRIN2D-Related Developmental and Epileptic Encephalopathy. Identifiers: MedGen C4310687, MONDO:0014947, OMIM 617162.

Submission:

Neuberg Centre For Genomic Medicine, NCGM
Classification: Uncertain significance for Developmental and epileptic encephalopathy, 46. Review status: criteria provided, single submitter. Criteria: ACMG Guidelines, 2015. Collection method: clinical testing. Allele origin: germline. Inheritance: Autosomal dominant inheritance. Affected: yes.
Comment: The missense variant p.Y1141F in GRIN2D (NM_000836.4) has not been reported previously as a pathogenic variant nor as a benign variant, to our knowledge. The p.Y1141F variant is novel (not in any individuals) in gnomAD Exomes and is novel (not in any individuals) in 1000 Genomes. IN silico tools are contradictory in their predictions and the residue is poorly conserved across species. For these reasons, this variant has been classified as Uncertain Significance.